The following is an entry in ClinVar:

NM_025132.4(WDR19):c.2742T>C (p.Ala914=)

Gene: WDR19 (WD repeat domain 19; plus strand). Cytogenetic location: 4p14.
Variant type: single nucleotide variant.
Coding change: c.2742T>C on transcript NM_025132.4 (MANE Select); coding-DNA position 2742, T replaced by C.
Protein change: p.Ala914=; no amino-acid change (alanine 914 retained).
Molecular consequence: synonymous variant.
Genome position (GRCh38, 1-based): chr4:39,253,158, T>C. VCF-style: chr4-39253158-T-C. GRCh37 (hg19) VCF-style: chr4-39254778-T-C.
Other names: c.2262T>C, p.Ala754= (NM_001317924.2).
Identifiers: ClinVar variation 618491 (VCV000618491.22), dbSNP rs753812144, ClinGen allele CA2892186.

ClinVar aggregate classification (germline): Likely benign. Review status: criteria provided, multiple submitters, no conflicts (2 of 4 stars). 6 submissions from 6 submitters: Likely benign (5). 1 of the submissions does not count toward it. Last evaluated 2024-12-24.

Conditions:
Asphyxiating thoracic dystrophy 5 (SRTD5). Also called: SHORT-RIB THORACIC DYSPLASIA 5 WITH OR WITHOUT POLYDACTYLY; SHORT-RIB THORACIC DYSPLASIA 5 WITHOUT POLYDACTYLY. Identifiers: Orphanet 474, MedGen C3280598, MONDO:0013717, OMIM 614376.
Senior-Loken syndrome 8 (SLSN8). Identifiers: Orphanet 3156, MedGen C4225376, MONDO:0014579, OMIM 616307.
Cranioectodermal dysplasia 4 (CED4). Identifiers: Orphanet 1515, MedGen C3280616, MONDO:0013719, OMIM 614378.
Nephronophthisis 13 (NPHP13). Identifiers: Orphanet 655, MedGen C3280612, MONDO:0013718, OMIM 614377.
Spermatogenic failure 72 (SPGF72). Identifiers: MedGen C5676980, MONDO:0030809, OMIM 619867.
WDR19-related disorder. Also called: WDR19-related disorders; WDR19-related condition. Identifiers: MedGen CN380161.

Allele frequency attached by ClinVar (database versions not stated): ExAC 0.00002; gnomAD exomes 0.00002 and 0.00003; gnomAD 0.00004; TOPMed 0.00004.
gnomAD v4.1: 39 of 1,596,190 alleles (0.0024%); highest among the groups gnomAD compares: African/African-American, 0.0041%; no homozygotes.

Submissions (6):

Labcorp Genetics (formerly Invitae), Labcorp
Classification: Likely benign for Senior-Loken syndrome 8; Asphyxiating thoracic dystrophy 5. Last evaluated: 2024-12-24. Review status: criteria provided, single submitter. Criteria: Invitae Variant Classification Sherloc (09022015). Collection method: clinical testing. Allele origin: germline.

Fulgent Genetics
Classification: Likely benign for Asphyxiating thoracic dystrophy 5; Nephronophthisis 13; Cranioectodermal dysplasia 4; Senior-Loken syndrome 8; Spermatogenic failure 72. Last evaluated: 2022-04-06. Review status: criteria provided, single submitter. Criteria: ACMG Guidelines, 2015. Collection method: clinical testing. Allele origin: unknown.

Blueprint Genetics
Classification: Likely benign. Last evaluated: 2018-07-26. Review status: criteria provided, single submitter. Criteria: ACMG Guidelines, 2015. Collection method: clinical testing. Allele origin: germline.

ARUP Laboratories, Molecular Genetics and Genomics, ARUP Laboratories
Classification: Likely benign. Last evaluated: 2018-04-12. Review status: criteria provided, single submitter. Criteria: ARUP Molecular Germline Variant Investigation Process. Collection method: clinical testing. Allele origin: germline.
Comment: The c.2742T>C; p.Ala914Ala variant (rs753812144) does not alter the amino acid sequence of the WDR19 protein and computational splice site prediction algorithms do not predict a change in the nearest splice site or creation of a cryptic splice site. This variant has not been reported in association with skeletal dysplasias in medical literature or in gene specific variation databases. This variant is listed in the genome Aggregation Database (gnomAD) with an overall population frequency of 0.003% (identified on 8 out of 262,984 chromosomes). Based on the available information, the c.2742T>C variant is likely to be benign.

Breakthrough Genomics
Classification: Likely benign. Review status: criteria provided, single submitter. Criteria: ACMG Guidelines, 2015. Collection method: not provided. Allele origin: germline. Inheritance: Autosomal recessive inheritance. Affected: yes.

PreventionGenetics, part of Exact Sciences
Classification: Likely benign for WDR19-related condition. Last evaluated: 2019-07-12. Review status: no assertion criteria provided. Collection method: clinical testing. Allele origin: germline. Not counted in ClinVar's aggregate classification.
Comment: This variant is classified as likely benign based on ACMG/AMP sequence variant interpretation guidelines (Richards et al. 2015 PMID: 25741868, with internal and published modifications).